The following is an entry in ClinVar:

NM_001267550.2(TTN):c.101918G>T (p.Arg33973Met)

Genes: TTN-AS1 (TTN antisense RNA 1; plus strand), TTN (titin; minus strand). Cytogenetic location: 2q31.2.
Variant type: single nucleotide variant.
Coding change: c.101918G>T on transcript NM_001267550.2 (MANE Select); coding-DNA position 101918, G replaced by T.
Protein change: p.Arg33973Met; replaces arginine 33973 with methionine.
Molecular consequence: missense variant.
Genome position (GRCh38, 1-based): chr2:178,534,697, C>A on the plus strand (G>T on the coding strand, the complement: TTN is on the minus strand). VCF-style: chr2-178534697-C-A. GRCh37 (hg19) VCF-style: chr2-179399424-C-A.
Other names: c.96995G>T, p.Arg32332Met (NM_001256850.1); c.74723G>T, p.Arg24908Met (NM_003319.4); c.94214G>T, p.Arg31405Met (NM_133378.4); c.75098G>T, p.Arg25033Met (NM_133432.3); c.75299G>T, p.Arg25100Met (NM_133437.4); short protein forms R33973M, R24908M, R25033M, R31405M, R25100M, R32332M.
Identifiers: ClinVar variation 4794050 (VCV004794050.1).
Genomic context (GRCh38, chr2:178,534,697, plus strand): 5'-CTGACAACATCATGCTGGTGGACTTCAGGTGCATAGTATTCTGGGGCAGTGAATAGAAGC[C>A]TGAAGTTGTCCCCTGGTTTCAGCTGACGGGCTTGACCAAATTCTATGATTTTAATGGTAG-3'
Protein context (NP_001254479.2, residues 33963-33983): ARQLKPGDNF[Arg33973Met]LLFTAPEYYA

ClinVar aggregate classification (germline): Uncertain significance (1 of 4 stars; one submission).

Conditions:
Autosomal recessive limb-girdle muscular dystrophy type 2J (LGMDR10). Also called: MUSCULAR DYSTROPHY, LIMB-GIRDLE, AUTOSOMAL RECESSIVE 10; Limb-girdle muscular dystrophy, type 2J. Identifiers: Orphanet 140922, MedGen C1837342, MONDO:0012127, OMIM 608807.
Dilated cardiomyopathy 1G (CMD1G). Identifiers: Orphanet 154, MedGen C1858763, MONDO:0011400, OMIM 604145.

Submission:

Labcorp Genetics (formerly Invitae), Labcorp
Classification: Uncertain significance for Dilated cardiomyopathy 1G; Autosomal recessive limb-girdle muscular dystrophy type 2J. Last evaluated: 2025-10-08. Review status: criteria provided, single submitter. Criteria: Invitae Variant Classification Sherloc (09022015). Collection method: clinical testing. Allele origin: germline.
Comment: This sequence change replaces arginine, which is basic and polar, with methionine, which is neutral and non-polar, at codon 33973 of the TTN protein (p.Arg33973Met). This variant is not present in population databases (gnomAD no frequency). This variant has not been reported in the literature in individuals affected with TTN-related conditions. Experimental studies and prediction algorithms are not available or were not evaluated, and the functional significance of this variant is currently unknown. This variant is located in the M band of TTN (PMID: 25589632). Non-truncating variants in this region may be relevant for neuromuscular disorders, but have not been definitively shown to cause cardiomyopathy (PMID: 23975875). In summary, the available evidence is currently insufficient to determine the role of this variant in disease. Therefore, it has been classified as a Variant of Uncertain Significance.

Literature cited by the submitters: PubMed 25589632; PubMed 23975875.